The following is an entry in ClinVar:

ClinVar aggregate classification (germline): Likely benign. Review status: criteria provided, multiple submitters, no conflicts (2 of 4 stars). 3 submissions from 3 submitters: Likely benign (2). 1 of the submissions does not count toward it. Last evaluated 2025-01-20.

Conditions:
DNAAF11-related disorder. Also called: DNAAF11-related condition.
Primary ciliary dyskinesia. Also called: Ciliary dyskinesia. Identifiers: Orphanet 244, MedGen C0008780, MONDO:0016575, HP:0012265.
Primary ciliary dyskinesia 19. Also called: CILIARY DYSKINESIA, PRIMARY, 19, WITH OR WITHOUT SITUS INVERSUS. Identifiers: Orphanet 244, MedGen C3543826, MONDO:0013979, OMIM 614935.

Allele frequency attached by ClinVar (database versions not stated): gnomAD below 0.00001 and 0.00005; gnomAD exomes 0.00001 and 0.00003; ExAC 0.00002; 1000 Genomes Project 30x 0.00031; 1000 Genomes Project 0.00040.
gnomAD v4.1: 28 of 1,613,846 alleles (0.0017%); highest among the groups gnomAD compares: South Asian, 0.021%; 1 homozygote.

Submissions (3):

Labcorp Genetics (formerly Invitae), Labcorp
Classification: Likely benign for Primary ciliary dyskinesia 19. Last evaluated: 2025-01-20. Review status: criteria provided, single submitter. Criteria: Invitae Variant Classification Sherloc (09022015). Collection method: clinical testing. Allele origin: germline.

Ambry Genetics
Classification: Likely benign for Primary ciliary dyskinesia. Last evaluated: 2021-04-28. Review status: criteria provided, single submitter. Criteria: Ambry Variant Classification Scheme 2023. Collection method: clinical testing. Allele origin: germline.

PreventionGenetics, part of Exact Sciences
Classification: Likely benign for DNAAF11-related condition. Last evaluated: 2019-06-18. Review status: no assertion criteria provided. Collection method: clinical testing. Allele origin: germline. Not counted in ClinVar's aggregate classification.
Comment: This variant is classified as likely benign based on ACMG/AMP sequence variant interpretation guidelines (Richards et al. 2015 PMID: 25741868, with internal and published modifications).

NM_012472.6(DNAAF11):c.66C>T (p.Ser22=)

Gene: DNAAF11 (dynein axonemal assembly factor 11; minus strand). Cytogenetic location: 8q24.22.
Variant type: single nucleotide variant.
Coding change: c.66C>T on transcript NM_012472.6 (MANE Select); coding-DNA position 66, C replaced by T.
Protein change: p.Ser22=; no amino-acid change (serine 22 retained).
Molecular consequence: synonymous variant. On other transcripts: 5 prime UTR variant (4), non-coding transcript variant (7), intron variant (1).
Genome position (GRCh38, 1-based): chr8:132,661,572, G>A on the plus strand (C>T on the coding strand, the complement: DNAAF11 is on the minus strand). VCF-style: chr8-132661572-G-A. GRCh37 (hg19) VCF-style: chr8-133673818-G-A.
Other names: c.66C>T, p.Ser22= (NM_001321961.2); c.-295C>T (NM_001321963.2, NM_001321964.2, NM_001321966.2); c.-608C>T (NM_001321965.2); c.10+13912C>T (NM_001321962.2); c.66C>T (NM_012472.5).
Identifiers: ClinVar variation 752774 (VCV000752774.14), dbSNP rs200925027, ClinGen allele CA4881476.